The following is an entry in ClinVar:

NM_002294.3(LAMP2):c.183+3A>T

Gene: LAMP2 (lysosomal associated membrane protein 2; minus strand). Cytogenetic location: Xq24.
Variant type: single nucleotide variant.
Coding change: c.183+3A>T on transcript NM_002294.3 (MANE Select); 3 bases into the intron after coding-DNA position 183, A replaced by T.
Molecular consequence: intron variant.
Genome position (GRCh38, 1-based): chrX:120,456,648, T>A on the plus strand (A>T on the coding strand, the complement: LAMP2 is on the minus strand). VCF-style: chrX-120456648-T-A. GRCh37 (hg19) VCF-style: chrX-119590503-T-A.
Other names: c.183+3A>T (NM_001122606.1, NM_013995.2).
Identifiers: ClinVar variation 1254009 (VCV001254009.2), dbSNP rs2147287563, ClinGen allele CA2499226340.

ClinVar aggregate classification (germline): Uncertain significance (1 of 4 stars; one submission).

Submission:

GeneDx
Classification: Uncertain significance. Last evaluated: 2021-06-08. Review status: criteria provided, single submitter. Criteria: GeneDx Variant Classification Process June 2021. Collection method: clinical testing. Allele origin: germline. Affected: yes.
Comment: Has not been previously published as pathogenic or benign to our knowledge; Not observed at significant frequency in large population cohorts (Lek et al., 2016); In silico analysis, which includes splice predictors and evolutionary conservation, supports a deleterious effect. However, in the absence of RNA/functional studies, the actual effect of this sequence change is unknown.; This variant is associated with the following publications: (PMID: 27535533)